The following is an entry in ClinVar:

NM_003128.3(SPTBN1):c.3160C>T (p.Arg1054Ter)

Gene: SPTBN1 (spectrin beta, non-erythrocytic 1; plus strand). Cytogenetic location: 2p16.2.
Variant type: single nucleotide variant.
Coding change: c.3160C>T on transcript NM_003128.3 (MANE Select); coding-DNA position 3160, C replaced by T.
Protein change: p.Arg1054Ter; replaces arginine 1054 with a stop codon.
Molecular consequence: nonsense.
Genome position (GRCh38, 1-based): chr2:54,631,207, C>T. VCF-style: chr2-54631207-C-T. GRCh37 (hg19) VCF-style: chr2-54858344-C-T.
Other names: c.3121C>T, p.Arg1041Ter (NM_178313.3); short protein forms R1041*, R1054*.
Identifiers: ClinVar variation 4087713 (VCV004087713.2).

ClinVar aggregate classification (germline): Likely pathogenic. Review status: criteria provided, multiple submitters, no conflicts (2 of 4 stars). 2 submissions from 2 submitters: Likely pathogenic (2). Last evaluated 2026-01-10.

Conditions:
Developmental delay, impaired speech, and behavioral abnormalities. Identifiers: MedGen C5561957, MONDO:0859178, OMIM 619475.

gnomAD v4.1: 2 of 1,614,178 alleles (0.00012%); highest among the groups gnomAD compares: African/African-American, 0.0013%; no homozygotes.

Submissions (2):

Variantyx, Inc.
Classification: Likely pathogenic for Developmental delay, impaired speech, and behavioral abnormalities. Last evaluated: 2026-01-10. Review status: criteria provided, single submitter. Criteria: Variantyx Assertion Criteria 2022. Collection method: clinical testing. Allele origin: germline. Inheritance: Autosomal dominant inheritance. Affected: yes.
Comment: This is a nonsense variant in the SPTBN1 gene (OMIM: 182790). Pathogenic variants in this gene have been associated with autosomal dominant developmental delay, impaired speech, and behavioral abnormalities. This variant introduces a premature termination codon in exon 16 out of 36 and is expected to result in loss of function, which is a known disease mechanism for SPTBN1 in this disorder (PMID: 33847457, 34211179) (PVS1). This variant has a 0.0013% maximum allele frequency in non-founder control populations (PM2). Based on the current evidence, this variant is classified as likely pathogenic for autosomal dominant developmental delay, impaired speech, and behavioral abnormalities.

Molecular Genetics Laboratory, Motol Hospital
Classification: Likely pathogenic for Developmental delay, impaired speech, and behavioral abnormalities. Last evaluated: 2025-09-26. Review status: criteria provided, single submitter. Criteria: ACMG Guidelines, 2015. Collection method: clinical testing. Allele origin: germline. Affected: yes. Observed: 1 variant allele.
Comment: Not present in gnomAD (v4.1.0), dbSNP or ClinVar (PM2). Rare truncating variants affecting the SPTBN1 gene are associated with autosomal dominant "developmental delay, impaired speech, and behavioral abnormalities" (DDISBA; MIM:619475;PMID:34211179;PMID:33847457) (PVS1). To conclude, the variant is classified as pathogenic (ACMG PM2, PVS1).

Literature cited by the submitters: PubMed 33847457 (cited by Variantyx, Inc. and Molecular Genetics Laboratory, Motol Hospital); PubMed 34211179 (cited by Variantyx, Inc. and Molecular Genetics Laboratory, Motol Hospital).